The following is an entry in ClinVar:

ClinVar aggregate classification (germline): Pathogenic (1 of 4 stars; one submission).

Conditions:
Fanconi anemia (FA). Also called: Fanconi's anemia. Identifiers: Orphanet 84, MedGen C0015625, MeSH D005199, MONDO:0019391.

Submission:

Labcorp Genetics (formerly Invitae), Labcorp
Classification: Pathogenic for Fanconi anemia. Last evaluated: 2024-06-23. Review status: criteria provided, single submitter. Criteria: Invitae Variant Classification Sherloc (09022015). Collection method: clinical testing. Allele origin: germline.
Comment: This sequence change creates a premature translational stop signal (p.Gln602Valfs*8) in the FANCM gene. It is expected to result in an absent or disrupted protein product. Loss-of-function variants in FANCM are known to be pathogenic (PMID: 29895858, 30075111). This variant is not present in population databases (gnomAD no frequency). This variant has not been reported in the literature in individuals affected with FANCM-related conditions. For these reasons, this variant has been classified as Pathogenic.

Literature cited by the submitters: PubMed 29895858; PubMed 30075111.

NM_020937.4(FANCM):c.1801_1802del (p.Gln602fs)

Gene: FANCM (FA complementation group M; plus strand). Cytogenetic location: 14q21.2.
Variant type: Microsatellite.
Coding change: c.1801_1802del on transcript NM_020937.4 (MANE Select); coding-DNA positions 1801 to 1802, 2 bases deleted (AG; older notation c.1801_1802delAG).
Protein change: p.Gln602fs; shifts the reading frame from glutamine 602.
Molecular consequence: frameshift variant.
Genome position (GRCh38, 1-based): chr14:45,166,962-45,166,963, AG deleted; deleting any 2 consecutive bases within chr14:45,166,960-45,166,963 gives the same sequence; the c. name uses the placement nearest the transcript's 3' end. VCF-style (leftmost placement, unchanged base first): chr14-45166959-CAG-C. GRCh37 (hg19) VCF-style: chr14-45636162-CAG-C.
Other names: c.1723_1724del, p.Gln576fs (NM_001308133.2); c.1801_1802del, p.Gln602fs (NM_001308134.2); short protein forms Q576fs, Q602fs.
Identifiers: ClinVar variation 3671482 (VCV003671482.2).